The following is an entry in ClinVar:

ClinVar aggregate classification (germline): not provided (0 of 4 stars; one submission).

Allele frequency attached by ClinVar (database versions not stated): gnomAD 0.00070.

Submission:

Human Evolutionary Genetics, Institut Pasteur
No classification provided. Review status: no classification provided. Collection method: not provided. Allele origin: germline.
ClinVar note: Converted during submission from untested to not provided.

NM_001384950.1(NLRC5):c.-12-157T>C

Gene: NLRC5 (NLR family CARD domain containing 5; plus strand). Cytogenetic location: 16q13.
Variant type: single nucleotide variant.
Coding change: c.-12-157T>C on transcript NM_001384950.1 (MANE Select); 157 bases into the intron before 12 bases upstream of the start codon, T replaced by C.
Molecular consequence: intron variant.
Genome position (GRCh38, 1-based): chr16:57,020,544, T>C. VCF-style: chr16-57020544-T-C. GRCh37 (hg19) VCF-style: chr16-57054456-T-C.
Other names: c.-12-157T>C (NM_001384954.1, NM_001384953.1, NM_001384957.1 and 22 more transcripts).
Identifiers: ClinVar variation 103154 (VCV000103154.2), dbSNP rs199475965, ClinGen allele CA230196.